The following is an entry in ClinVar:

NM_000363.5(TNNI3):c.298C>G (p.Leu100Val)

Gene: TNNI3 (troponin I3, cardiac type; minus strand). Cytogenetic location: 19q13.42.
Variant type: single nucleotide variant.
Coding change: c.298C>G on transcript NM_000363.5 (MANE Select); coding-DNA position 298, C replaced by G.
Protein change: p.Leu100Val; replaces leucine 100 with valine.
Molecular consequence: missense variant.
Genome position (GRCh38, 1-based): chr19:55,154,815, G>C on the plus strand (C>G on the coding strand, the complement: TNNI3 is on the minus strand). VCF-style: chr19-55154815-G-C. GRCh37 (hg19) VCF-style: chr19-55666183-G-C.
Other names: short protein forms L100V.
Identifiers: ClinVar variation 2989176 (VCV002989176.3), dbSNP rs773216333, ClinGen allele CA407441172.
Genomic context (GRCh38, chr19:55,154,815, plus strand): 5'-TGGTGACTTTTGCCTCTATGTCGTATCTCTCTTCATCCACCTTGTCCACACGGGCGTGGA[G>C]CTGTCGGCACAAGTCCTGGAGGAGGAACGTGGTGTGTGTTGTTGGGGGAACCAAAAACAG-3'
Protein context (NP_000354.4, residues 90-110): FAELQDLCRQ[Leu100Val]HARVDKVDEE

ClinVar aggregate classification (germline): Uncertain significance (1 of 4 stars; one submission).

Conditions:
Hypertrophic cardiomyopathy. Also called: HYPERTROPHIC MYOCARDIOPATHY. Identifiers: Orphanet 217569, MedGen C0007194, MeSH D002312, MONDO:0005045, HP:0001639.

gnomAD v4.1: 3 of 1,614,200 alleles (0.00019%); highest among the groups gnomAD compares: East Asian, 0.0067%; no homozygotes.

Submission:

Labcorp Genetics (formerly Invitae), Labcorp
Classification: Uncertain significance for Hypertrophic cardiomyopathy. Last evaluated: 2024-05-21. Review status: criteria provided, single submitter. Criteria: Invitae Variant Classification Sherloc (09022015). Collection method: clinical testing. Allele origin: germline.
Comment: This sequence change replaces leucine, which is neutral and non-polar, with valine, which is neutral and non-polar, at codon 100 of the TNNI3 protein (p.Leu100Val). This variant is present in population databases (no rsID available, gnomAD 0.006%). This variant has not been reported in the literature in individuals affected with TNNI3-related conditions. An algorithm developed to predict the effect of missense changes on protein structure and function (PolyPhen-2) suggests that this variant is likely to be disruptive. In summary, the available evidence is currently insufficient to determine the role of this variant in disease. Therefore, it has been classified as a Variant of Uncertain Significance.